The following is an entry in ClinVar:

NM_021728.4(OTX2):c.380G>C (p.Arg127Pro)

Gene: OTX2 (orthodenticle homeobox 2; minus strand). Cytogenetic location: 14q22.3.
Variant type: single nucleotide variant.
Coding change: c.380G>C on transcript NM_021728.4 (MANE Select); coding-DNA position 380, G replaced by C.
Protein change: p.Arg127Pro; replaces arginine 127 with proline.
Molecular consequence: missense variant. On other transcripts: non-coding transcript variant (2).
Genome position (GRCh38, 1-based): chr14:56,802,249, C>G on the plus strand (G>C on the coding strand, the complement: OTX2 is on the minus strand). VCF-style: chr14-56802249-C-G. GRCh37 (hg19) VCF-style: chr14-57268967-C-G.
Other names: c.356G>C, p.Arg119Pro (NM_001270523.2, NM_001270524.2, NM_172337.3); c.380G>C, p.Arg127Pro (NM_001270525.2); short protein forms R119P, R127P.
Identifiers: ClinVar variation 313419 (VCV000313419.14), dbSNP rs199799627, ClinGen allele CA7200496.

ClinVar aggregate classification (germline): Conflicting classifications of pathogenicity. Review status: criteria provided, conflicting classifications (1 of 4 stars). 5 submissions from 4 submitters: Uncertain significance (3); Likely benign (1). 1 of the submissions does not count toward it. Last evaluated 2023-11-17.

Conditions:
Pituitary hormone deficiency, combined, 6. Identifiers: MedGen C3151440, MONDO:0013518, OMIM 613986.
OTX2-related disorder. Also called: OTX2-related disorders; OTX2-related condition.
Anophthalmia-microphthalmia syndrome. Also called: Anophthalmia/Microphthalmia; Anophthalmia - microphthalmia. Identifiers: Orphanet 98555, MedGen C5680330, MONDO:0020147.
Syndromic microphthalmia type 5 (MCOPS5). Also called: RETINAL DYSTROPHY, EARLY-ONSET, WITH PITUITARY DYSFUNCTION; RETINAL DYSTROPHY, EARLY-ONSET, WITHOUT PITUITARY DYSFUNCTION. Identifiers: Orphanet 178364, MedGen C1864690, MONDO:0012413, OMIM 610125.

Allele frequency attached by ClinVar (database versions not stated): TOPMed 0.00002.
gnomAD v4.1: 11 of 1,614,028 alleles (0.00068%); highest among the groups gnomAD compares: Admixed American, 0.0067%; no homozygotes.

Submissions (5):

Labcorp Genetics (formerly Invitae), Labcorp
Classification: Uncertain significance for Anophthalmia-microphthalmia syndrome. Last evaluated: 2023-11-17. Review status: criteria provided, single submitter. Criteria: Invitae Variant Classification Sherloc (09022015). Collection method: clinical testing. Allele origin: germline.
Comment: This sequence change replaces arginine, which is basic and polar, with proline, which is neutral and non-polar, at codon 119 of the OTX2 protein (p.Arg119Pro). This variant is present in population databases (rs199799627, gnomAD 0.006%). This variant has not been reported in the literature in individuals affected with OTX2-related conditions. ClinVar contains an entry for this variant (Variation ID: 313419). An algorithm developed to predict the effect of missense changes on protein structure and function (PolyPhen-2) suggests that this variant is likely to be tolerated. In summary, the available evidence is currently insufficient to determine the role of this variant in disease. Therefore, it has been classified as a Variant of Uncertain Significance.

Blueprint Genetics
Classification: Likely benign. Last evaluated: 2020-12-30. Review status: criteria provided, single submitter. Criteria: ACMG Guidelines, 2015. Collection method: clinical testing. Allele origin: germline.

Illumina Laboratory Services, Illumina
Classification: Uncertain significance for Syndromic microphthalmia type 5. Last evaluated: 2018-01-12. Review status: criteria provided, single submitter. Criteria: ICSL Variant Classification Criteria 13 December 2019. Collection method: clinical testing. Allele origin: germline.

Illumina Laboratory Services, Illumina
Classification: Uncertain significance for Pituitary hormone deficiency, combined, 6. Last evaluated: 2018-01-12. Review status: criteria provided, single submitter. Criteria: ICSL Variant Classification Criteria 13 December 2019. Collection method: clinical testing. Allele origin: germline.

PreventionGenetics, part of Exact Sciences
Classification: Uncertain significance for OTX2-related condition. Last evaluated: 2024-09-19. Review status: no assertion criteria provided. Collection method: clinical testing. Allele origin: germline. Not counted in ClinVar's aggregate classification.
Comment: The OTX2 c.356G>C variant is predicted to result in the amino acid substitution p.Arg119Pro. To our knowledge, this variant has not been reported in the literature. This variant is reported in 0.0056% of alleles in individuals of Latino descent in gnomAD. At this time, the clinical significance of this variant is uncertain due to the absence of conclusive functional and genetic evidence.